The following is an entry in ClinVar:

ClinVar aggregate classification (germline): Uncertain significance (1 of 4 stars; one submission).

Conditions:
Inborn genetic diseases. Identifiers: MedGen C0950123, MeSH D030342.

Submission:

Ambry Genetics
Classification: Uncertain significance for Inborn genetic diseases. Last evaluated: 2023-04-05. Review status: criteria provided, single submitter. Criteria: Ambry Variant Classification Scheme 2023. Collection method: clinical testing. Allele origin: germline.
Comment: The p.D1815E variant (also known as c.5445T>G), located in coding exon 32 of the ATR gene, results from a T to G substitution at nucleotide position 5445. The aspartic acid at codon 1815 is replaced by glutamic acid, an amino acid with highly similar properties. This amino acid position is conserved. In addition, this alteration is predicted to be tolerated by in silico analysis. Since supporting evidence is limited at this time, the clinical significance of this alteration remains unclear.

NM_001184.4(ATR):c.5445T>G (p.Asp1815Glu)

Gene: ATR (ATR checkpoint kinase; minus strand). Cytogenetic location: 3q23.
Variant type: single nucleotide variant.
Coding change: c.5445T>G on transcript NM_001184.4 (MANE Select); coding-DNA position 5445, T replaced by G.
Protein change: p.Asp1815Glu; replaces aspartic acid 1815 with glutamic acid.
Molecular consequence: missense variant.
Genome position (GRCh38, 1-based): chr3:142,498,710, A>C on the plus strand (T>G on the coding strand, the complement: ATR is on the minus strand). VCF-style: chr3-142498710-A-C. GRCh37 (hg19) VCF-style: chr3-142217552-A-C.
Other names: c.5253T>G, p.Asp1751Glu (NM_001354579.2); short protein forms D1751E, D1815E.
Identifiers: ClinVar variation 2567798 (VCV002567798.2), dbSNP rs2031784301, ClinGen allele CA354816002.